The following is an entry in ClinVar:

NM_006206.6(PDGFRA):c.34G>A (p.Gly12Ser)

Gene: PDGFRA (platelet derived growth factor receptor alpha; plus strand). Cytogenetic location: 4q12.
Variant type: single nucleotide variant.
Coding change: c.34G>A on transcript NM_006206.6 (MANE Select); coding-DNA position 34, G replaced by A.
Protein change: p.Gly12Ser; replaces glycine 12 with serine.
Molecular consequence: missense variant.
Genome position (GRCh38, 1-based): chr4:54,258,802, G>A. VCF-style: chr4-54258802-G-A. GRCh37 (hg19) VCF-style: chr4-55124969-G-A.
Other names: c.34G>A, p.Gly12Ser (NM_001347827.2, NM_001347829.2); c.109G>A, p.Gly37Ser (NM_001347828.2); c.73G>A, p.Gly25Ser (NM_001347830.2); short protein forms G37S, G12S, G25S.
Identifiers: ClinVar variation 2749610 (VCV002749610.3), dbSNP rs2110235287, ClinGen allele CA356888097.

ClinVar aggregate classification (germline): Uncertain significance (1 of 4 stars; one submission).

Conditions:
Gastrointestinal stromal tumor. Also called: Gastrointestinal stromal tumor, somatic; Gastrointestinal stroma tumor. Identifiers: Orphanet 44890, MedGen C0238198, MeSH D046152, MONDO:0011719, OMIM 606764, HP:0100723.

Submission:

Labcorp Genetics (formerly Invitae), Labcorp
Classification: Uncertain significance for Gastrointestinal stromal tumor. Last evaluated: 2023-11-07. Review status: criteria provided, single submitter. Criteria: Invitae Variant Classification Sherloc (09022015). Collection method: clinical testing. Allele origin: germline.
Comment: This sequence change replaces glycine, which is neutral and non-polar, with serine, which is neutral and polar, at codon 12 of the PDGFRA protein (p.Gly12Ser). This variant is not present in population databases (gnomAD no frequency). This variant has not been reported in the literature in individuals affected with PDGFRA-related conditions. Algorithms developed to predict the effect of missense changes on protein structure and function output the following: SIFT: "Not Available"; PolyPhen-2: "Benign"; Align-GVGD: "Not Available". The serine amino acid residue is found in multiple mammalian species, which suggests that this missense change does not adversely affect protein function. In summary, the available evidence is currently insufficient to determine the role of this variant in disease. Therefore, it has been classified as a Variant of Uncertain Significance.